The following is an entry in ClinVar:

ClinVar aggregate classification (germline): Likely benign. Review status: criteria provided, multiple submitters, no conflicts (2 of 4 stars). 4 submissions from 4 submitters: Likely benign (4). Last evaluated 2026-03-11.

Conditions:
LRP5-related disorder. Also called: LRP5-related condition.

Allele frequency attached by ClinVar (database versions not stated): ExAC 0.00005; ESP Exome Variant Server 0.00008; 1000 Genomes Project 0.00020; 1000 Genomes Project 30x 0.00031.
gnomAD v4.1: 181 of 1,614,080 alleles (0.011%); highest among the groups gnomAD compares: Non-Finnish European, 0.015%; no homozygotes.

Submissions (4):

Women's Health and Genetics/Laboratory Corporation of America, LabCorp
Classification: Likely benign. Last evaluated: 2026-03-11. Review status: criteria provided, single submitter. Criteria: LabCorp Variant Classification Summary - May 2015. Collection method: clinical testing. Allele origin: germline.

Labcorp Genetics (formerly Invitae), Labcorp
Classification: Likely benign. Last evaluated: 2025-11-24. Review status: criteria provided, single submitter. Criteria: Invitae Variant Classification Sherloc (09022015). Collection method: clinical testing. Allele origin: germline.

PreventionGenetics, part of Exact Sciences
Classification: Likely benign for LRP5-related condition. Last evaluated: 2025-07-21. Review status: criteria provided, single submitter. Criteria: ACMG Guidelines, 2015. Collection method: clinical testing. Allele origin: germline.
Comment: This variant is classified as likely benign based on ACMG/AMP sequence variant interpretation guidelines (Richards et al. 2015 PMID: 25741868, with internal and published modifications).

Blueprint Genetics
Classification: Likely benign. Last evaluated: 2024-10-30. Review status: criteria provided, single submitter. Criteria: ACMG Guidelines, 2015. Collection method: clinical testing. Allele origin: germline.

NM_002335.4(LRP5):c.2208C>T (p.Asp736=)

Gene: LRP5 (LDL receptor related protein 5; plus strand). Cytogenetic location: 11q13.2.
Variant type: single nucleotide variant.
Coding change: c.2208C>T on transcript NM_002335.4 (MANE Select); coding-DNA position 2208, C replaced by T.
Protein change: p.Asp736=; no amino-acid change (aspartic acid 736 retained).
Molecular consequence: synonymous variant.
Genome position (GRCh38, 1-based): chr11:68,410,030, C>T. VCF-style: chr11-68410030-C-T. GRCh37 (hg19) VCF-style: chr11-68177498-C-T.
Other names: c.465C>T, p.Asp155= (NM_001291902.2); c.2208C>T (NM_002335.3).
Identifiers: ClinVar variation 1102124 (VCV001102124.12), dbSNP rs35298380, ClinGen allele CA6149562.
Genomic context (GRCh38, chr11:68,410,030, plus strand): 5'-CCTTGACTACCCCGAGGGCATGGCCGTTGACTGGATGGGCAAGAACCTCTACTGGGCCGA[C>T]ACTGGGACCAACAGAATCGAAGTGGCGCGGCTGGACGGGCAGTTCCGGCAAGTCCTCGTG-3'
Protein context (NP_002326.2, residues 726-746): DWMGKNLYWA[Asp736=]TGTNRIEVAR